The following is an entry in ClinVar:

ClinVar aggregate classification (germline): Benign/Likely benign. Review status: criteria provided, multiple submitters, no conflicts (2 of 4 stars). 3 submissions from 3 submitters: Benign (1); Likely benign (2). Last evaluated 2026-06-17.

Conditions:
Polyps, multiple and recurrent inflammatory fibroid, gastrointestinal. Identifiers: MedGen C5193005, MONDO:0008285, OMIM 175510.
Gastrointestinal stromal tumor. Also called: Gastrointestinal stroma tumor; Gastrointestinal stromal tumor, somatic. Identifiers: Orphanet 44890, MedGen C0238198, MeSH D046152, MONDO:0011719, OMIM 606764, HP:0100723.
Hereditary cancer-predisposing syndrome. Also called: Tumor predisposition; Hereditary neoplastic syndrome; Neoplastic Syndromes, Hereditary; Hereditary Cancer Syndrome. Identifiers: Orphanet 140162, MedGen C0027672, MeSH D009386, MONDO:0015356.

Allele frequency attached by ClinVar (database versions not stated): gnomAD exomes below 0.00001; TOPMed below 0.00001.
gnomAD v4.1: 1 of 1,614,074 alleles (0.000062%); highest among the groups gnomAD compares: Non-Finnish European, 0.000085%; no homozygotes.

Submissions (3):

Myriad Genetics, Inc.
Classification: Benign for Polyps, multiple and recurrent inflammatory fibroid, gastrointestinal. Last evaluated: 2026-06-17. Review status: criteria provided, single submitter. Criteria: Myriad Autosomal Dominant, Autosomal Recessive and X-Linked Classification Criteria (2023). Collection method: clinical testing. Allele origin: unknown.
Comment: This variant is considered benign. This variant is a silent/synonymous amino acid change and it is not expected to impact splicing.

Labcorp Genetics (formerly Invitae), Labcorp
Classification: Likely benign for Gastrointestinal stromal tumor. Last evaluated: 2025-10-23. Review status: criteria provided, single submitter. Criteria: Invitae Variant Classification Sherloc (09022015). Collection method: clinical testing. Allele origin: germline.

Ambry Genetics
Classification: Likely benign for Hereditary cancer-predisposing syndrome. Last evaluated: 2022-03-16. Review status: criteria provided, single submitter. Criteria: Ambry Variant Classification Scheme 2023. Collection method: clinical testing. Allele origin: germline.

NM_006206.6(PDGFRA):c.1380T>C (p.Thr460=)

Gene: PDGFRA (platelet derived growth factor receptor alpha; plus strand). Cytogenetic location: 4q12.
Variant type: single nucleotide variant.
Coding change: c.1380T>C on transcript NM_006206.6 (MANE Select); coding-DNA position 1380, T replaced by C.
Protein change: p.Thr460=; no amino-acid change (threonine 460 retained).
Molecular consequence: synonymous variant.
Genome position (GRCh38, 1-based): chr4:54,273,552, T>C. VCF-style: chr4-54273552-T-C. GRCh37 (hg19) VCF-style: chr4-55139719-T-C.
Other names: c.1380T>C, p.Thr460= (NM_001347827.2, NM_001347829.2); c.1455T>C, p.Thr485= (NM_001347828.2); c.1419T>C, p.Thr473= (NM_001347830.2).
Identifiers: ClinVar variation 458997 (VCV000458997.14), dbSNP rs1553904168, ClinGen allele CA439286971.
Genomic context (GRCh38, chr4:54,273,552, plus strand): 5'-GACTCTCAGGAATTGGCCCTATACTTAGGCCCTTTTTCTCTCTAGATGTAATAATGAAAC[T>C]TCCTGGACTATTTTGGCCAACAATGTCTCAAACATCATCACGGAGATCCACTCCCGAGAC-3'
Protein context (NP_006197.1, residues 450-470): CKDIKKCNNE[Thr460=]SWTILANNVS